The following is an entry in ClinVar:

ClinVar aggregate classification (germline): Uncertain significance. Review status: criteria provided, single submitter (1 of 4 stars). 3 submissions from 3 submitters: Uncertain significance (1). 2 of the submissions do not count toward it. Last evaluated 2022-02-03.

Conditions:
Joubert syndrome 28 (JBTS28). Identifiers: MedGen C4310705, MONDO:0014928, OMIM 617121.
Bardet-Biedl syndrome 13 (BBS13). Identifiers: Orphanet 110, MedGen C2673873, MONDO:0014441, OMIM 615990.
Meckel syndrome, type 1 (MKS1). Also called: MECKEL-GRUBER SYNDROME, TYPE 1. Identifiers: Orphanet 564, MedGen C3714506, MONDO:0009571, OMIM 249000.
Joubert syndrome. Also called: JOUBERT-BOLTSHAUSER SYNDROME; Familial aplasia of the vermis. Identifiers: Orphanet 475, MedGen C5979921, MONDO:0018772.
Meckel-Gruber syndrome. Also called: Dysencephalia splachnocystica; DYSENCEPHALIA SPLANCHNOCYSTICA; GRUBER SYNDROME. Identifiers: Orphanet 564, MedGen C0265215, MONDO:0018921.

Allele frequency attached by ClinVar (database versions not stated): gnomAD exomes below 0.00001 and 0.00001; TOPMed 0.00001.
gnomAD v4.1: 11 of 1,614,182 alleles (0.00068%); highest among the groups gnomAD compares: East Asian, 0.0022%; no homozygotes.

Submissions (3):

Labcorp Genetics (formerly Invitae), Labcorp
Classification: Uncertain significance for Joubert syndrome; Meckel-Gruber syndrome. Last evaluated: 2022-02-03. Review status: criteria provided, single submitter. Criteria: Invitae Variant Classification Sherloc (09022015). Collection method: clinical testing. Allele origin: germline.
Comment: This sequence change replaces tyrosine, which is neutral and polar, with cysteine, which is neutral and slightly polar, at codon 461 of the MKS1 protein (p.Tyr461Cys). This variant is present in population databases (rs730882120, gnomAD 0.007%). This missense change has been observed in individual(s) with MKS1-related conditions (PMID: 24608809). ClinVar contains an entry for this variant (Variation ID: 183011). Advanced modeling of protein sequence and biophysical properties (such as structural, functional, and spatial information, amino acid conservation, physicochemical variation, residue mobility, and thermodynamic stability) performed at Invitae indicates that this missense variant is expected to disrupt MKS1 protein function. In summary, the available evidence is currently insufficient to determine the role of this variant in disease. Therefore, it has been classified as a Variant of Uncertain Significance.

Counsyl
Classification: Uncertain significance for Meckel syndrome, type 1; Bardet-Biedl syndrome 13; Joubert syndrome 28. Last evaluated: 2017-10-18. Review status: no assertion criteria provided. Collection method: clinical testing. Allele origin: unknown. Not counted in ClinVar's aggregate classification.

OMIM
Classification: Pathogenic for BARDET-BIEDL SYNDROME 13. Last evaluated: 2014-01-01. Review status: no assertion criteria provided. Collection method: literature only. Allele origin: germline. Not counted in ClinVar's aggregate classification.

Literature cited by the submitters: PubMed 24608809 (cited by 3 submitters).

NM_017777.4(MKS1):c.1382A>G (p.Tyr461Cys)

Gene: MKS1 (MKS transition zone complex subunit 1; minus strand). Cytogenetic location: 17q22.
Variant type: single nucleotide variant.
Coding change: c.1382A>G on transcript NM_017777.4 (MANE Select); coding-DNA position 1382, A replaced by G.
Protein change: p.Tyr461Cys; replaces tyrosine 461 with cysteine.
Molecular consequence: missense variant. On other transcripts: intron variant (1).
Genome position (GRCh38, 1-based): chr17:58,207,110, T>C on the plus strand (A>G on the coding strand, the complement: MKS1 is on the minus strand). VCF-style: chr17-58207110-T-C. GRCh37 (hg19) VCF-style: chr17-56284471-T-C.
Other names: c.773A>G, p.Tyr258Cys (NM_001321268.2); c.1382A>G, p.Tyr461Cys (NM_001321269.2); c.1274-730A>G (NM_001330397.2); short protein forms Y461C, Y258C.
Identifiers: ClinVar variation 183011 (VCV000183011.5), dbSNP rs730882120, ClinGen allele CA273751.